The following is an entry in ClinVar:

ClinVar aggregate classification (germline): Uncertain significance (1 of 4 stars; one submission).

Submission:

Labcorp Genetics (formerly Invitae), Labcorp
Classification: Uncertain significance. Last evaluated: 2024-04-23. Review status: criteria provided, single submitter. Criteria: Invitae Variant Classification Sherloc (09022015). Collection method: clinical testing. Allele origin: germline.
Comment: This sequence change replaces lysine, which is basic and polar, with glutamic acid, which is acidic and polar, at codon 833 of the DUOX2 protein (p.Lys833Glu). This variant is not present in population databases (gnomAD no frequency). This variant has not been reported in the literature in individuals affected with DUOX2-related conditions. Advanced modeling of protein sequence and biophysical properties (such as structural, functional, and spatial information, amino acid conservation, physicochemical variation, residue mobility, and thermodynamic stability) performed at Invitae indicates that this missense variant is not expected to disrupt DUOX2 protein function with a negative predictive value of 80%. In summary, the available evidence is currently insufficient to determine the role of this variant in disease. Therefore, it has been classified as a Variant of Uncertain Significance.

NM_001363711.2(DUOX2):c.2497A>G (p.Lys833Glu)

Gene: DUOX2 (dual oxidase 2; minus strand). Cytogenetic location: 15q21.1.
Variant type: single nucleotide variant.
Coding change: c.2497A>G on transcript NM_001363711.2 (MANE Select); coding-DNA position 2497, A replaced by G.
Protein change: p.Lys833Glu; replaces lysine 833 with glutamic acid.
Molecular consequence: missense variant.
Genome position (GRCh38, 1-based): chr15:45,104,203, T>C on the plus strand (A>G on the coding strand, the complement: DUOX2 is on the minus strand). VCF-style: chr15-45104203-T-C. GRCh37 (hg19) VCF-style: chr15-45396401-T-C.
Other names: c.2497A>G, p.Lys833Glu (NM_014080.5); short protein forms K833E.
Identifiers: ClinVar variation 2694600 (VCV002694600.3), dbSNP rs2504761379, ClinGen allele CA392269566.